The following is an entry in ClinVar:

ClinVar aggregate classification (germline): Uncertain significance (1 of 4 stars; one submission).

Conditions:
Cardiomyopathy (CMYO). Also called: Cardiomyopathies. Identifiers: Orphanet 167848, MedGen C0878544, MONDO:0004994, HP:0001638. Inheritance: Various modes of inheritance.

Submission:

Color Diagnostics, LLC DBA Color Health
Classification: Uncertain significance for Cardiomyopathy. Last evaluated: 2023-10-09. Review status: criteria provided, single submitter. Criteria: ACMG Guidelines, 2015. Collection method: clinical testing. Allele origin: germline.
Comment: This missense variant replaces proline with glutamine at codon 4398 of the RYR2 protein. Computational prediction is inconclusive regarding the impact of this variant on protein structure and function (internally defined REVEL score threshold 0.5 < inconclusive < 0.7, PMID: 27666373). To our knowledge, functional studies have not been reported for this variant. This variant has not been reported in individuals affected with RYR2-related disorders in the literature. This variant has not been identified in the general population by the Genome Aggregation Database (gnomAD). The available evidence is insufficient to determine the role of this variant in disease conclusively. Therefore, this variant is classified as a Variant of Uncertain Significance.

NM_001035.3(RYR2):c.13193C>A (p.Pro4398Gln)

Genes: RYR2 (ryanodine receptor 2; plus strand), LOC126806068 (BRD4-independent group 4 enhancer GRCh37_chr1:237947411-237948610; plus strand). Cytogenetic location: 1q43.
Variant type: single nucleotide variant.
Coding change: c.13193C>A on transcript NM_001035.3 (MANE Select); coding-DNA position 13193, C replaced by A.
Protein change: p.Pro4398Gln; replaces proline 4398 with glutamine.
Molecular consequence: missense variant.
Genome position (GRCh38, 1-based): chr1:237,784,905, C>A. VCF-style: chr1-237784905-C-A. GRCh37 (hg19) VCF-style: chr1-237948205-C-A.
Other names: short protein forms P4398Q.
Identifiers: ClinVar variation 2774402 (VCV002774402.2), dbSNP rs2527801096, ClinGen allele CA345415551.